The following is an entry in ClinVar:

NM_000435.3(NOTCH3):c.3401G>A (p.Gly1134Glu)

Gene: NOTCH3 (notch receptor 3; minus strand). Cytogenetic location: 19p13.12.
Variant type: single nucleotide variant.
Coding change: c.3401G>A on transcript NM_000435.3 (MANE Select); coding-DNA position 3401, G replaced by A.
Protein change: p.Gly1134Glu; replaces glycine 1134 with glutamic acid.
Molecular consequence: missense variant.
Genome position (GRCh38, 1-based): chr19:15,179,423, C>T on the plus strand (G>A on the coding strand, the complement: NOTCH3 is on the minus strand). VCF-style: chr19-15179423-C-T. GRCh37 (hg19) VCF-style: chr19-15290234-C-T.
Other names: short protein forms G1134E.
Identifiers: ClinVar variation 451592 (VCV000451592.6), dbSNP rs1257366364, ClinGen allele CA404512070.

ClinVar aggregate classification (germline): Uncertain significance. Review status: criteria provided, multiple submitters, no conflicts (2 of 4 stars). 3 submissions from 3 submitters: Uncertain significance (3). Last evaluated 2025-12-02.

Conditions:
NOTCH3-related disorder. Also called: NOTCH3-related condition; NOTCH3-related disorders.

Allele frequency attached by ClinVar (database versions not stated): gnomAD exomes 0.00001; gnomAD 0.00002; TOPMed 0.00002.
gnomAD v4.1: 11 of 1,614,064 alleles (0.00068%); highest among the groups gnomAD compares: Non-Finnish European, 0.00093%; no homozygotes.

Submissions (3):

Labcorp Genetics (formerly Invitae), Labcorp
Classification: Uncertain significance. Last evaluated: 2025-12-02. Review status: criteria provided, single submitter. Criteria: Invitae Variant Classification Sherloc (09022015). Collection method: clinical testing. Allele origin: germline.
Comment: This sequence change replaces glycine, which is neutral and non-polar, with glutamic acid, which is acidic and polar, at codon 1134 of the NOTCH3 protein (p.Gly1134Glu). This variant is not present in population databases (gnomAD no frequency). This variant has not been reported in the literature in individuals affected with NOTCH3-related conditions. ClinVar contains an entry for this variant (Variation ID: 451592). Invitae Evidence Modeling of protein sequence and biophysical properties (such as structural, functional, and spatial information, amino acid conservation, physicochemical variation, residue mobility, and thermodynamic stability) has been performed for this missense variant. However, the output from this modeling did not meet the statistical confidence thresholds required to predict the impact of this variant on NOTCH3 protein function. In summary, the available evidence is currently insufficient to determine the role of this variant in disease. Therefore, it has been classified as a Variant of Uncertain Significance.

PreventionGenetics, part of Exact Sciences
Classification: Uncertain significance for NOTCH3-related condition. Last evaluated: 2025-08-14. Review status: criteria provided, single submitter. Criteria: ACMG Guidelines, 2015. Collection method: clinical testing. Allele origin: germline.
Comment: The NOTCH3 c.3401G>A variant is predicted to result in the amino acid substitution p.Gly1134Glu. To our knowledge, this variant has not been reported in the literature or in a large population database (gnomAD), indicating this variant is rare. An alternate missense change at the same amino acid position (c.3400G>C; p.Gly1134Arg) has been reported de novo in an individual with autism spectrum disorder (Table S3, O'Roak et al. 2012. PubMed ID: 22495309). At this time, the clinical significance of this variant is uncertain due to the absence of conclusive functional and genetic evidence.

GeneDx
Classification: Uncertain significance. Last evaluated: 2025-05-22. Review status: criteria provided, single submitter. Criteria: GeneDx Variant Classification Process June 2021. Collection method: clinical testing. Allele origin: germline. Affected: yes.
Comment: Not observed at significant frequency in large population cohorts (gnomAD); In silico analysis supports that this missense variant has a deleterious effect on protein structure/function; Has not been previously published as pathogenic or benign to our knowledge